The following is an entry in ClinVar:

NM_007192.4(SUPT16H):c.467A>G (p.Lys156Arg)

Gene: SUPT16H (SPT16 homolog, facilitates chromatin remodeling subunit; minus strand). Cytogenetic location: 14q11.2.
Variant type: single nucleotide variant.
Coding change: c.467A>G on transcript NM_007192.4 (MANE Select); coding-DNA position 467, A replaced by G.
Protein change: p.Lys156Arg; replaces lysine 156 with arginine.
Molecular consequence: missense variant.
Genome position (GRCh38, 1-based): chr14:21,370,352, T>C on the plus strand (A>G on the coding strand, the complement: SUPT16H is on the minus strand). VCF-style: chr14-21370352-T-C. GRCh37 (hg19) VCF-style: chr14-21838511-T-C.
Other names: short protein forms K156R.
Identifiers: ClinVar variation 4883040 (VCV004883040.2).

ClinVar aggregate classification (germline): Uncertain significance (1 of 4 stars; one submission).

gnomAD v4.1: 1 of 1,611,644 alleles (0.000062%); highest among the groups gnomAD compares: African/African-American, 0.0013%; no homozygotes.

Submission:

Dasa
Classification: Uncertain significance. Last evaluated: 2025-08-15. Review status: criteria provided, single submitter. Criteria: DASA Assertion Criteria. Collection method: clinical testing. Allele origin: germline.
Comment: NM_007192.4(SUPT16H):c.467A>G (p.Lys156Arg) is a missense variant that results in the substitution of lysine with arginine. This variant is rare in population databases. Computational prediction algorithms are consistent with a benign effect. The currently available literature and clinical evidence are not sufficient to establish a definitive association between this variant and the reported condition. Therefore, this variant is classified as a variant of uncertain significance.